The following is an entry in ClinVar:

NM_019108.4(SMG9):c.1071C>T (p.Ser357=)

Gene: SMG9 (SMG9 nonsense mediated mRNA decay factor; minus strand). Cytogenetic location: 19q13.31.
Variant type: single nucleotide variant.
Coding change: c.1071C>T on transcript NM_019108.4 (MANE Select); coding-DNA position 1071, C replaced by T.
Protein change: p.Ser357=; no amino-acid change (serine 357 retained).
Molecular consequence: synonymous variant.
Genome position (GRCh38, 1-based): chr19:43,734,420, G>A on the plus strand (C>T on the coding strand, the complement: SMG9 is on the minus strand). VCF-style: chr19-43734420-G-A. GRCh37 (hg19) VCF-style: chr19-44238572-G-A.
Identifiers: ClinVar variation 3040529 (VCV003040529.2), dbSNP rs150580575, ClinGen allele CA9491279.

ClinVar aggregate classification (germline): Likely benign (0 of 4 stars; one submission).

Conditions:
SMG9-related disorder. Also called: SMG9-related condition.

Allele frequency attached by ClinVar (database versions not stated): gnomAD exomes 0.00007; gnomAD 0.00041; TOPMed 0.00043; ExAC 0.00044; ESP Exome Variant Server 0.00054; 1000 Genomes Project 0.00060; 1000 Genomes Project 30x 0.00078.
gnomAD v4.1: 162 of 1,559,382 alleles (0.01%); highest among the groups gnomAD compares: African/African-American, 0.15%; 1 homozygote.

Submission:

PreventionGenetics, part of Exact Sciences
Classification: Likely benign for SMG9-related condition. Last evaluated: 2019-10-28. Review status: no assertion criteria provided. Collection method: clinical testing. Allele origin: germline.
Comment: This variant is classified as likely benign based on ACMG/AMP sequence variant interpretation guidelines (Richards et al. 2015 PMID: 25741868, with internal and published modifications).